The following is an entry in ClinVar:

NM_000388.4(CASR):c.2949GAA[1] (p.Lys984del)

Gene: CASR (calcium sensing receptor; plus strand). Cytogenetic location: 3q21.1.
Variant type: Microsatellite.
Coding change: c.2949GAA[1] on transcript NM_000388.4 (MANE Select); one copy of the 3-base unit GAA starting at c.2949; the reference has two copies in a row; one copy, 3 bases deleted.
Protein change: p.Lys984del; deletes lysine 984.
Molecular consequence: inframe deletion.
Genome position (GRCh38, 1-based): chr3:122,284,906-122,284,908, GAA deleted; deleting any 3 consecutive bases within chr3:122,284,902-122,284,908 gives the same sequence; the position shown is the placement nearest the transcript's 3' end. VCF-style (leftmost placement, unchanged base first): chr3-122284901-CAGA-C. GRCh37 (hg19) VCF-style: chr3-122003748-CAGA-C.
Other names: c.2979GAA[1], p.Lys994del (NM_001178065.2); short protein forms K994del, K984del.
Identifiers: ClinVar variation 2924341 (VCV002924341.3), dbSNP rs770951241, ClinGen allele CA2569896.

ClinVar aggregate classification (germline): Uncertain significance (1 of 4 stars; one submission).

Conditions:
Familial hypocalciuric hypercalcemia (FHH). Also called: Familial benign hypercalcemia. Identifiers: Orphanet 405, MedGen C1809471, MONDO:0018458.
Autosomal dominant hypocalcemia 1 (HYPOC1). Also called: HYPOCALCEMIA, FAMILIAL. Identifiers: MedGen C3715128, MONDO:0011013, OMIM 601198.

Submission:

Labcorp Genetics (formerly Invitae), Labcorp
Classification: Uncertain significance for Familial hypocalciuric hypercalcemia; Autosomal dominant hypocalcemia 1. Last evaluated: 2023-04-05. Review status: criteria provided, single submitter. Criteria: Invitae Variant Classification Sherloc (09022015). Collection method: clinical testing. Allele origin: germline.
Comment: This variant has not been reported in the literature in individuals affected with CASR-related conditions. Experimental studies and prediction algorithms are not available or were not evaluated, and the functional significance of this variant is currently unknown. In summary, the available evidence is currently insufficient to determine the role of this variant in disease. Therefore, it has been classified as a Variant of Uncertain Significance. This variant is present in population databases (rs770951241, gnomAD 0.003%). This variant, c.2952_2954del, results in the deletion of 1 amino acid(s) of the CASR protein (p.Lys984del), but otherwise preserves the integrity of the reading frame.